The following is an entry in ClinVar:

NM_015073.3(SIPA1L3):c.2740G>A (p.Gly914Arg)

Gene: SIPA1L3 (signal induced proliferation associated 1 like 3; plus strand). Cytogenetic location: 19q13.13.
Variant type: single nucleotide variant.
Coding change: c.2740G>A on transcript NM_015073.3 (MANE Select); coding-DNA position 2740, G replaced by A.
Protein change: p.Gly914Arg; replaces glycine 914 with arginine.
Molecular consequence: missense variant.
Genome position (GRCh38, 1-based): chr19:38,119,754, G>A. VCF-style: chr19-38119754-G-A. GRCh37 (hg19) VCF-style: chr19-38610394-G-A.
Other names: short protein forms G914R.
Identifiers: ClinVar variation 4165490 (VCV004165490.2).

ClinVar aggregate classification (germline): Uncertain significance. Review status: criteria provided, multiple submitters, no conflicts (2 of 4 stars). 2 submissions from 2 submitters: Uncertain significance (2). Last evaluated 2025-12-23.

gnomAD v4.1: 111 of 1,614,030 alleles (0.0069%); highest among the groups gnomAD compares: Admixed American, 0.053%; no homozygotes.

Submissions (2):

Labcorp Genetics (formerly Invitae), Labcorp
Classification: Uncertain significance. Last evaluated: 2025-12-23. Review status: criteria provided, single submitter. Criteria: Invitae Variant Classification Sherloc (09022015). Collection method: clinical testing. Allele origin: germline.
Comment: This sequence change replaces glycine, which is neutral and non-polar, with arginine, which is basic and polar, at codon 914 of the SIPA1L3 protein (p.Gly914Arg). This variant is present in population databases (rs140119542, gnomAD 0.07%), and has an allele count higher than expected for a pathogenic variant. This variant has not been reported in the literature in individuals affected with SIPA1L3-related conditions. ClinVar contains an entry for this variant (Variation ID: 4165490). An algorithm developed to predict the effect of missense changes on protein structure and function (PolyPhen-2) suggests that this variant is likely to be tolerated. In summary, the available evidence is currently insufficient to determine the role of this variant in disease. Therefore, it has been classified as a Variant of Uncertain Significance.

Ambry Genetics
Classification: Uncertain significance. Last evaluated: 2025-08-21. Review status: criteria provided, single submitter. Criteria: Ambry Variant Classification Scheme 2023. Collection method: clinical testing. Allele origin: germline.